The following is an entry in ClinVar:

ClinVar aggregate classification (germline): Uncertain significance. Review status: criteria provided, multiple submitters, no conflicts (2 of 4 stars). 2 submissions from 2 submitters: Uncertain significance (2). Last evaluated 2024-03-06.

Conditions:
Hereditary cancer-predisposing syndrome. Also called: Tumor predisposition; Neoplastic Syndromes, Hereditary; Hereditary neoplastic syndrome; Hereditary Cancer Syndrome. Identifiers: Orphanet 140162, MedGen C0027672, MeSH D009386, MONDO:0015356.
Familial adenomatous polyposis 1 (FAP1). Also called: POLYPOSIS, ADENOMATOUS INTESTINAL; FAMILIAL ADENOMATOUS POLYPOSIS 1, ATTENUATED. Identifiers: MedGen C2713442, MONDO:0021056, OMIM 175100. Disease mechanism: loss of function.

Allele frequency attached by ClinVar (database versions not stated): gnomAD exomes below 0.00001.

Submissions (2):

Color Diagnostics, LLC DBA Color Health
Classification: Uncertain significance for Hereditary cancer-predisposing syndrome. Last evaluated: 2024-03-06. Review status: criteria provided, single submitter. Criteria: ACMG Guidelines, 2015. Collection method: clinical testing. Allele origin: germline.
Comment: This missense variant replaces leucine with methionine at codon 2456 of the APC protein. Computational prediction is inconclusive regarding the impact of this variant on protein structure and function (internally defined REVEL score threshold 0.5 < inconclusive < 0.7, PMID: 27666373). To our knowledge, functional studies have not been reported for this variant. This variant has not been reported in individuals affected with hereditary cancer in the literature. This variant has been identified in 1/250952 chromosomes in the general population by the Genome Aggregation Database (gnomAD). The available evidence is insufficient to determine the role of this variant in disease conclusively. Therefore, this variant is classified as a Variant of Uncertain Significance.

Labcorp Genetics (formerly Invitae), Labcorp
Classification: Uncertain significance for Familial adenomatous polyposis 1. Last evaluated: 2020-09-02. Review status: criteria provided, single submitter. Criteria: Invitae Variant Classification Sherloc (09022015). Collection method: clinical testing. Allele origin: germline.
Comment: This variant is not present in population databases (ExAC no frequency). This sequence change replaces leucine with methionine at codon 2456 of the APC protein (p.Leu2456Met). The leucine residue is highly conserved and there is a small physicochemical difference between leucine and methionine. This variant has not been reported in the literature in individuals with APC-related conditions. ClinVar contains an entry for this variant (Variation ID: 631200). Algorithms developed to predict the effect of missense changes on protein structure and function are either unavailable or do not agree on the potential impact of this missense change (SIFT: "Deleterious"; PolyPhen-2: "Probably Damaging"; Align-GVGD: "Class C0"). In summary, the available evidence is currently insufficient to determine the role of this variant in disease. Therefore, it has been classified as a Variant of Uncertain Significance.

NM_000038.6(APC):c.7366T>A (p.Leu2456Met)

Gene: APC (APC regulator of Wnt signaling pathway; plus strand). Cytogenetic location: 5q22.2.
Variant type: single nucleotide variant.
Coding change: c.7366T>A on transcript NM_000038.6 (MANE Select); coding-DNA position 7366, T replaced by A.
Protein change: p.Leu2456Met; replaces leucine 2456 with methionine.
Molecular consequence: missense variant.
Genome position (GRCh38, 1-based): chr5:112,842,960, T>A. VCF-style: chr5-112842960-T-A. GRCh37 (hg19) VCF-style: chr5-112178657-T-A.
Other names: c.6988T>A, p.Leu2330Met (NM_001354904.2); c.6886T>A, p.Leu2296Met (NM_001354905.2); c.6517T>A, p.Leu2173Met (NM_001354906.2); c.7366T>A, p.Leu2456Met (NM_001127510.3, NM_001354895.2); c.7312T>A, p.Leu2438Met (NM_001127511.3); c.7420T>A, p.Leu2474Met (NM_001354896.2); c.7396T>A, p.Leu2466Met (NM_001354897.2); c.7291T>A, p.Leu2431Met (NM_001354898.2); and 5 more; short protein forms L2456M, L2438M, L2355M, L2428M, L2296M, L2330M, L2415M, L2474M.
Identifiers: ClinVar variation 631200 (VCV000631200.15), dbSNP rs1192175221, ClinGen allele CA16037374.